The following is an entry in ClinVar:

ClinVar aggregate classification (germline): Uncertain significance. Review status: criteria provided, multiple submitters, no conflicts (2 of 4 stars). 2 submissions from 2 submitters: Uncertain significance (2). Last evaluated 2025-07-14.

Conditions:
PLXNA2-related disorder. Also called: PLXNA2-related condition.

gnomAD v4.1: 34 of 1,613,496 alleles (0.0021%); highest among the groups gnomAD compares: Non-Finnish European, 0.0026%; no homozygotes.

Submissions (2):

PreventionGenetics, part of Exact Sciences
Classification: Uncertain significance for PLXNA2-related condition. Last evaluated: 2025-07-14. Review status: criteria provided, single submitter. Criteria: ACMG Guidelines, 2015. Collection method: clinical testing. Allele origin: germline.
Comment: The PLXNA2 c.1726C>T variant is predicted to result in the amino acid substitution p.Arg576Trp. To our knowledge, this variant has not been reported in the literature. This variant is reported in 0.0053% of alleles in individuals of European (Non-Finnish) descent in gnomAD. At this time, the clinical significance of this variant is uncertain due to the absence of conclusive functional and genetic evidence.

Ambry Genetics
Classification: Uncertain significance. Last evaluated: 2024-12-11. Review status: criteria provided, single submitter. Criteria: Ambry Variant Classification Scheme 2023. Collection method: clinical testing. Allele origin: germline.

NM_025179.4(PLXNA2):c.1726C>T (p.Arg576Trp)

Gene: PLXNA2 (plexin A2; minus strand). Cytogenetic location: 1q32.2.
Variant type: single nucleotide variant.
Coding change: c.1726C>T on transcript NM_025179.4 (MANE Select); coding-DNA position 1726, C replaced by T.
Protein change: p.Arg576Trp; replaces arginine 576 with tryptophan.
Molecular consequence: missense variant.
Genome position (GRCh38, 1-based): chr1:208,098,851, G>A on the plus strand (C>T on the coding strand, the complement: PLXNA2 is on the minus strand). VCF-style: chr1-208098851-G-A. GRCh37 (hg19) VCF-style: chr1-208272196-G-A.
Other names: short protein forms R576W.
Identifiers: ClinVar variation 3354222 (VCV003354222.3).